The following is an entry in ClinVar:

ClinVar aggregate classification (germline): Likely benign. Review status: criteria provided, multiple submitters, no conflicts (2 of 4 stars). 2 submissions from 2 submitters: Likely benign (2). Last evaluated 2026-01-27.

Conditions:
Alacrima, achalasia, and impaired intellectual development syndrome. Also called: Alacrima, achalasia, and intellectual disability syndrome; Alacrima, achalasia, and mental retardation syndrome. Identifiers: Orphanet 869, MedGen C4706563, MONDO:0014219, OMIM 615510.

Allele frequency attached by ClinVar (database versions not stated): gnomAD exomes 0.00028 and 0.00062; ESP Exome Variant Server 0.00100; gnomAD 0.00048 and 0.00047; 1000 Genomes Project 30x 0.00016; 1000 Genomes Project 0.00020; ExAC 0.00028; TOPMed 0.00034.
gnomAD v4.1: 982 of 1,612,358 alleles (0.061%); highest among the groups gnomAD compares: Non-Finnish European, 0.078%; no homozygotes.

Submissions (2):

Labcorp Genetics (formerly Invitae), Labcorp
Classification: Likely benign for Alacrima, achalasia, and impaired intellectual development syndrome. Last evaluated: 2026-01-27. Review status: criteria provided, single submitter. Criteria: Invitae Variant Classification Sherloc (09022015). Collection method: clinical testing. Allele origin: germline.

GeneDx
Classification: Likely benign. Last evaluated: 2017-07-17. Review status: criteria provided, single submitter. Criteria: GeneDx Variant Classification (06012015). Collection method: clinical testing. Allele origin: germline. Affected: yes.
Comment: This variant is considered likely benign or benign based on one or more of the following criteria: it is a conservative change, it occurs at a poorly conserved position in the protein, it is predicted to be benign by multiple in silico algorithms, and/or has population frequency not consistent with disease.

NM_013335.4(GMPPA):c.858T>C (p.Asn286=)

Genes: ASIC4-AS1 (ASIC4 antisense RNA 1; minus strand), GMPPA (GDP-mannose pyrophosphorylase A; plus strand). Cytogenetic location: 2q35.
Variant type: single nucleotide variant.
Coding change: c.858T>C on transcript NM_013335.4 (MANE Select); coding-DNA position 858, T replaced by C.
Protein change: p.Asn286=; no amino-acid change (asparagine 286 retained).
Molecular consequence: synonymous variant.
Genome position (GRCh38, 1-based): chr2:219,505,719, T>C. VCF-style: chr2-219505719-T-C. GRCh37 (hg19) VCF-style: chr2-220370441-T-C.
Other names: c.858T>C, p.Asn286= (NM_205847.3).
Identifiers: ClinVar variation 385576 (VCV000385576.12), dbSNP rs145760617, ClinGen allele CA2128331.